The following is an entry in ClinVar:

ClinVar aggregate classification (germline): Uncertain significance (1 of 4 stars; one submission).

Conditions:
Chédiak-Higashi syndrome (CHS). Also called: Chediak-Higashi Syndrome. Identifiers: Orphanet 167, MedGen C0007965, MONDO:0008963, OMIM 214500.

Allele frequency attached by ClinVar (database versions not stated): gnomAD 0.00001.
gnomAD v4.1: 3 of 1,613,348 alleles (0.00019%); highest among the groups gnomAD compares: Admixed American, 0.005%; no homozygotes.

Submission:

Labcorp Genetics (formerly Invitae), Labcorp
Classification: Uncertain significance for Chédiak-Higashi syndrome. Last evaluated: 2024-11-12. Review status: criteria provided, single submitter. Criteria: Invitae Variant Classification Sherloc (09022015). Collection method: clinical testing. Allele origin: germline.
Comment: This sequence change replaces threonine, which is neutral and polar, with asparagine, which is neutral and polar, at codon 1811 of the LYST protein (p.Thr1811Asn). This variant is present in population databases (no rsID available, gnomAD 0.006%). This variant has not been reported in the literature in individuals affected with LYST-related conditions. ClinVar contains an entry for this variant (Variation ID: 1500750). Invitae Evidence Modeling of protein sequence and biophysical properties (such as structural, functional, and spatial information, amino acid conservation, physicochemical variation, residue mobility, and thermodynamic stability) has been performed for this missense variant. However, the output from this modeling did not meet the statistical confidence thresholds required to predict the impact of this variant on LYST protein function. In summary, the available evidence is currently insufficient to determine the role of this variant in disease. Therefore, it has been classified as a Variant of Uncertain Significance.

NM_000081.4(LYST):c.5432C>A (p.Thr1811Asn)

Gene: LYST (lysosomal trafficking regulator; minus strand). Cytogenetic location: 1q42.3.
Variant type: single nucleotide variant.
Coding change: c.5432C>A on transcript NM_000081.4 (MANE Select); coding-DNA position 5432, C replaced by A.
Protein change: p.Thr1811Asn; replaces threonine 1811 with asparagine.
Molecular consequence: missense variant.
Genome position (GRCh38, 1-based): chr1:235,777,091, G>T on the plus strand (C>A on the coding strand, the complement: LYST is on the minus strand). VCF-style: chr1-235777091-G-T. GRCh37 (hg19) VCF-style: chr1-235940391-G-T.
Other names: c.5432C>A, p.Thr1811Asn (NM_001301365.1); short protein forms T1811N.
Identifiers: ClinVar variation 1500750 (VCV001500750.6), dbSNP rs1173296584, ClinGen allele CA344952567.